The following is an entry in ClinVar:

ClinVar aggregate classification (germline): Likely benign. Review status: criteria provided, multiple submitters, no conflicts (2 of 4 stars). 3 submissions from 3 submitters: Likely benign (3). Last evaluated 2026-04-01.

Conditions:
Cardiovascular phenotype. Identifiers: MedGen CN230736.
Arrhythmogenic right ventricular dysplasia 5. Also called: ARRHYTHMOGENIC RIGHT VENTRICULAR DYSPLASIA, FAMILIAL, 5; Arrhythmogenic Right Ventricular Dysplasia/Cardiomyopathy 5. Identifiers: MedGen C1858379, MONDO:0011459, OMIM 604400.

Allele frequency attached by ClinVar (database versions not stated): gnomAD exomes below 0.00001; TOPMed 0.00001; gnomAD 0.00002.
gnomAD v4.1: 5 of 1,613,702 alleles (0.00031%); highest among the groups gnomAD compares: Middle Eastern, 0.016%; no homozygotes.

Submissions (3):

CeGaT Center for Human Genetics Tuebingen
Classification: Likely benign. Last evaluated: 2026-04-01. Review status: criteria provided, single submitter. Criteria: CeGaT Center For Human Genetics Tuebingen Variant Classification Criteria Version 2. Collection method: clinical testing. Allele origin: germline. Affected: yes. Observed: 1 variant allele.
Comment: TMEM43: BP4, BP7

Labcorp Genetics (formerly Invitae), Labcorp
Classification: Likely benign for Arrhythmogenic right ventricular dysplasia 5. Last evaluated: 2025-04-13. Review status: criteria provided, single submitter. Criteria: Invitae Variant Classification Sherloc (09022015). Collection method: clinical testing. Allele origin: germline.

Ambry Genetics
Classification: Likely benign for Cardiovascular phenotype. Last evaluated: 2021-01-29. Review status: criteria provided, single submitter. Criteria: Ambry Variant Classification Scheme 2023. Collection method: clinical testing. Allele origin: germline.

NM_024334.3(TMEM43):c.216G>A (p.Val72=)

Gene: TMEM43 (transmembrane protein 43; plus strand). Cytogenetic location: 3p25.1.
Variant type: single nucleotide variant.
Coding change: c.216G>A on transcript NM_024334.3 (MANE Select); coding-DNA position 216, G replaced by A.
Protein change: p.Val72=; no amino-acid change (valine 72 retained).
Molecular consequence: synonymous variant.
Genome position (GRCh38, 1-based): chr3:14,130,875, G>A. VCF-style: chr3-14130875-G-A. GRCh37 (hg19) VCF-style: chr3-14172375-G-A.
Identifiers: ClinVar variation 760462 (VCV000760462.13), dbSNP rs943527392, ClinGen allele CA69728998.
Genomic context (GRCh38, chr3:14,130,875, plus strand): 5'-CTCCCAGGGCCGCGCATTGAAGACGGCAACCTCATTGGCTGAGGGGCTCTCGCTTGTGGT[G>A]TCTCCCGACAGCATCCACAGTGTGGCTCCGGAGAATGAAGGAAGGCTGGTGCACATCATT-3'
Protein context (NP_077310.1, residues 62-82): TSLAEGLSLV[Val72=]SPDSIHSVAP